The following is an entry in ClinVar:

ClinVar aggregate classification (germline): Uncertain significance (1 of 4 stars; one submission).

Conditions:
Dyskeratosis congenita, autosomal recessive 6 (DKCB6). Identifiers: MedGen C4225356, MONDO:0014600, OMIM 616353.
Pulmonary fibrosis and/or bone marrow failure, Telomere-related, 4. Also called: PULMONARY FIBROSIS AND/OR BONE MARROW FAILURE SYNDROME, TELOMERE-RELATED, 4. Identifiers: Orphanet 2032, MedGen C4225347, MONDO:0014612, OMIM 616371.

Allele frequency attached by ClinVar (database versions not stated): gnomAD exomes 0.00001; ExAC 0.00004.
gnomAD v4.1: 10 of 1,590,866 alleles (0.00063%); highest among the groups gnomAD compares: Non-Finnish European, 0.00035%; no homozygotes.

Submission:

Labcorp Genetics (formerly Invitae), Labcorp
Classification: Uncertain significance for Dyskeratosis congenita, autosomal recessive 6; Pulmonary fibrosis and/or bone marrow failure, Telomere-related, 4. Last evaluated: 2023-10-05. Review status: criteria provided, single submitter. Criteria: Invitae Variant Classification Sherloc (09022015). Collection method: clinical testing. Allele origin: germline.
Comment: This sequence change replaces aspartic acid, which is acidic and polar, with asparagine, which is neutral and polar, at codon 122 of the PARN protein (p.Asp122Asn). This variant is present in population databases (rs779555557, gnomAD 0.02%). This variant has not been reported in the literature in individuals affected with PARN-related conditions. Advanced modeling of protein sequence and biophysical properties (such as structural, functional, and spatial information, amino acid conservation, physicochemical variation, residue mobility, and thermodynamic stability) performed at Invitae indicates that this missense variant is not expected to disrupt PARN protein function. Algorithms developed to predict the effect of sequence changes on RNA splicing suggest that this variant may disrupt the consensus splice site. In summary, the available evidence is currently insufficient to determine the role of this variant in disease. Therefore, it has been classified as a Variant of Uncertain Significance.

NM_002582.4(PARN):c.364G>A (p.Asp122Asn)

Gene: PARN (poly(A)-specific ribonuclease; minus strand). Cytogenetic location: 16p13.12.
Variant type: single nucleotide variant.
Coding change: c.364G>A on transcript NM_002582.4 (MANE Select); coding-DNA position 364, G replaced by A.
Protein change: p.Asp122Asn; replaces aspartic acid 122 with asparagine.
Molecular consequence: missense variant.
Genome position (GRCh38, 1-based): chr16:14,617,614, C>T on the plus strand (G>A on the coding strand, the complement: PARN is on the minus strand). VCF-style: chr16-14617614-C-T. GRCh37 (hg19) VCF-style: chr16-14711471-C-T.
Other names: c.181G>A, p.Asp61Asn (NM_001134477.3); c.226G>A, p.Asp76Asn (NM_001242992.2); short protein forms D61N, D76N, D122N.
Identifiers: ClinVar variation 2922857 (VCV002922857.3), dbSNP rs779555557, ClinGen allele CA7912439.